The following is an entry in ClinVar:

NM_001111125.3(IQSEC2):c.707+6G>A

Gene: IQSEC2 (IQ motif and Sec7 domain ArfGEF 2; minus strand). Cytogenetic location: Xp11.22.
Variant type: single nucleotide variant.
Coding change: c.707+6G>A on transcript NM_001111125.3 (MANE Select); 6 bases into the intron after coding-DNA position 707, G replaced by A.
Molecular consequence: intron variant.
Genome position (GRCh38, 1-based): chrX:53,320,411, C>T on the plus strand (G>A on the coding strand, the complement: IQSEC2 is on the minus strand). VCF-style: chrX-53320411-C-T. GRCh37 (hg19) VCF-style: chrX-53349609-C-T.
Identifiers: ClinVar variation 2032775 (VCV002032775.4), dbSNP rs2520563295, ClinGen allele CA2580101250.

ClinVar aggregate classification (germline): Uncertain significance (1 of 4 stars; one submission).

Conditions:
Intellectual developmental disorder, X-linked 1. Also called: Atkin Flaitz Patil Smith syndrome; MENTAL RETARDATION, X-LINKED 18; MENTAL RETARDATION, X-LINKED 78; Intellectual disability, X-linked 1. Identifiers: Orphanet 777, MedGen C2931498, MONDO:0010656, OMIM 309530.

Submission:

Labcorp Genetics (formerly Invitae), Labcorp
Classification: Uncertain significance for Intellectual developmental disorder, X-linked 1. Last evaluated: 2023-03-10. Review status: criteria provided, single submitter. Criteria: Invitae Variant Classification Sherloc (09022015). Collection method: clinical testing. Allele origin: germline.
Comment: This variant is not present in population databases (gnomAD no frequency). This sequence change falls in intron 1 of the IQSEC2 gene. It does not directly change the encoded amino acid sequence of the IQSEC2 protein. It affects a nucleotide within the consensus splice site. In summary, the available evidence is currently insufficient to determine the role of this variant in disease. Therefore, it has been classified as a Variant of Uncertain Significance. Variants that disrupt the consensus splice site are a relatively common cause of aberrant splicing (PMID: 17576681, 9536098). Algorithms developed to predict the effect of sequence changes on RNA splicing suggest that this variant is not likely to affect RNA splicing. ClinVar contains an entry for this variant (Variation ID: 2032775). This variant has not been reported in the literature in individuals affected with IQSEC2-related conditions.

Literature cited by the submitters: PubMed 17576681; PubMed 9536098.